The following is an entry in ClinVar:

NM_005560.6(LAMA5):c.11082C>T (p.Ala3694=)

Gene: LAMA5 (laminin subunit alpha 5; minus strand). Cytogenetic location: 20q13.33.
Variant type: single nucleotide variant.
Coding change: c.11082C>T on transcript NM_005560.6 (MANE Select); coding-DNA position 11082, C replaced by T.
Protein change: p.Ala3694=; no amino-acid change (alanine 3694 retained).
Molecular consequence: synonymous variant.
Genome position (GRCh38, 1-based): chr20:62,309,342, G>A on the plus strand (C>T on the coding strand, the complement: LAMA5 is on the minus strand). VCF-style: chr20-62309342-G-A. GRCh37 (hg19) VCF-style: chr20-60884398-G-A.
Other names: c.11082C>T (NM_005560.4).
Identifiers: ClinVar variation 2711901 (VCV002711901.4), dbSNP rs553660143, ClinGen allele CA9939456.

ClinVar aggregate classification (germline): Likely benign. Review status: criteria provided, multiple submitters, no conflicts (2 of 4 stars). 2 submissions from 2 submitters: Likely benign (2). Last evaluated 2026-06-10.

Conditions:
LAMA5-related disorder. Also called: LAMA5-related condition; LAMA5-Related Disorders.

Allele frequency attached by ClinVar (database versions not stated): gnomAD 0.00011; gnomAD exomes 0.00013; ExAC 0.00018; TOPMed 0.00020; 1000 Genomes Project 30x 0.00031; 1000 Genomes Project 0.00040.
gnomAD v4.1: 217 of 1,591,340 alleles (0.014%); highest among the groups gnomAD compares: Middle Eastern, 0.14%; no homozygotes.

Submissions (2):

PreventionGenetics, part of Exact Sciences
Classification: Likely benign for LAMA5-related condition. Last evaluated: 2026-06-10. Review status: criteria provided, single submitter. Criteria: ACMG Guidelines, 2015. Collection method: clinical testing. Allele origin: germline.
Comment: This variant is classified as likely benign based on ACMG/AMP sequence variant interpretation guidelines (Richards et al. 2015 PMID: 25741868, with internal and published modifications).

Labcorp Genetics (formerly Invitae), Labcorp
Classification: Likely benign. Last evaluated: 2025-12-23. Review status: criteria provided, single submitter. Criteria: Invitae Variant Classification Sherloc (09022015). Collection method: clinical testing. Allele origin: germline.